The following is an entry in ClinVar:

NM_001130438.3(SPTAN1):c.3667G>A (p.Glu1223Lys)

Gene: SPTAN1 (spectrin alpha, non-erythrocytic 1; plus strand). Cytogenetic location: 9q34.11.
Variant type: single nucleotide variant.
Coding change: c.3667G>A on transcript NM_001130438.3 (MANE Select); coding-DNA position 3667, G replaced by A.
Protein change: p.Glu1223Lys; replaces glutamic acid 1223 with lysine.
Molecular consequence: missense variant.
Genome position (GRCh38, 1-based): chr9:128,604,365, G>A. VCF-style: chr9-128604365-G-A. GRCh37 (hg19) VCF-style: chr9-131366644-G-A.
Other names: c.3607G>A, p.Glu1203Lys (NM_001195532.2, NM_001363765.2, NM_001375314.2); c.3667G>A, p.Glu1223Lys (NM_001363759.2, NM_001375310.1, NM_001375311.2 and 2 more transcripts); c.3703G>A, p.Glu1235Lys (NM_001375312.2, NM_001375318.1); short protein forms E1203K, E1223K, E1235K.
Identifiers: ClinVar variation 1679604 (VCV001679604.4), dbSNP rs773140619, ClinGen allele CA5265012.

ClinVar aggregate classification (germline): Uncertain significance. Review status: criteria provided, multiple submitters, no conflicts (2 of 4 stars). 2 submissions from 2 submitters: Uncertain significance (2). Last evaluated 2025-04-10.

Conditions:
Early-infantile DEE. Also called: Early infantile epileptic encephalopathy; Early infantile epileptic encephalopathy with suppression bursts; Ohtahara syndrome. Identifiers: Orphanet 1934, MedGen C0393706, MONDO:0800491.
Developmental and epileptic encephalopathy, 5 (DEE5). Identifiers: Orphanet 3451, MedGen C3150731, MONDO:0013277, OMIM 613477.

Allele frequency attached by ClinVar (database versions not stated): gnomAD exomes below 0.00001 and 0.00001; gnomAD 0.00001; ExAC 0.00003.
gnomAD v4.1: 4 of 1,614,004 alleles (0.00025%); highest among the groups gnomAD compares: Admixed American, 0.0017%; no homozygotes.

Submissions (2):

Labcorp Genetics (formerly Invitae), Labcorp
Classification: Uncertain significance for Early-infantile DEE. Last evaluated: 2025-04-10. Review status: criteria provided, single submitter. Criteria: Invitae Variant Classification Sherloc (09022015). Collection method: clinical testing. Allele origin: germline.
Comment: This sequence change replaces glutamic acid, which is acidic and polar, with lysine, which is basic and polar, at codon 1223 of the SPTAN1 protein (p.Glu1223Lys). This variant is present in population databases (rs773140619, gnomAD 0.003%). This variant has not been reported in the literature in individuals affected with SPTAN1-related conditions. ClinVar contains an entry for this variant (Variation ID: 1679604). Invitae Evidence Modeling of protein sequence and biophysical properties (such as structural, functional, and spatial information, amino acid conservation, physicochemical variation, residue mobility, and thermodynamic stability) has been performed for this missense variant. However, the output from this modeling did not meet the statistical confidence thresholds required to predict the impact of this variant on SPTAN1 protein function. In summary, the available evidence is currently insufficient to determine the role of this variant in disease. Therefore, it has been classified as a Variant of Uncertain Significance.

New York Genome Center
Classification: Uncertain significance for Developmental and epileptic encephalopathy, 5. Last evaluated: 2021-05-14. Review status: criteria provided, single submitter. Criteria: NYGC Assertion Criteria 2020. Collection method: clinical testing. Allele origin: inherited. Observed: 1 heterozygote. Study: CSER-NYCKidSeq.